The following is an entry in ClinVar:

NM_001378452.1(ITPR1):c.4647G>C (p.Leu1549=)

Gene: ITPR1 (inositol 1,4,5-trisphosphate receptor type 1; plus strand). Cytogenetic location: 3p26.1.
Variant type: single nucleotide variant.
Coding change: c.4647G>C on transcript NM_001378452.1 (MANE Select); coding-DNA position 4647, G replaced by C.
Protein change: p.Leu1549=; no amino-acid change (leucine 1549 retained).
Molecular consequence: synonymous variant.
Genome position (GRCh38, 1-based): chr3:4,702,940, G>C. VCF-style: chr3-4702940-G-C. GRCh37 (hg19) VCF-style: chr3-4744624-G-C.
Other names: c.4620G>C, p.Leu1540= (NM_001099952.4); c.4602G>C, p.Leu1534= (NM_001168272.2); c.4575G>C, p.Leu1525= (NM_002222.7).
Identifiers: ClinVar variation 4875116 (VCV004875116.2).
Genomic context (GRCh38, chr3:4,702,940, plus strand): 5'-CCACTGCAACTGGTTAATGCCAAGCCAAAAAGCCTCCGTGGAGAGCTGTATTCGGGTGCT[G>C]TCTGATGTAGGTAAGATACCAAGTCAGTTTGGATATACGTGATGAAAATGAATTGTCTGA-3'
Protein context (NP_001365381.1, residues 1539-1559): KASVESCIRV[Leu1549=]SDVAKSRAIA

ClinVar aggregate classification (germline): Likely benign (1 of 4 stars; one submission).

Submission:

CeGaT Center for Human Genetics Tuebingen
Classification: Likely benign. Last evaluated: 2026-06-01. Review status: criteria provided, single submitter. Criteria: CeGaT Center For Human Genetics Tuebingen Variant Classification Criteria Version 2. Collection method: clinical testing. Allele origin: germline. Affected: yes. Observed: 1 variant allele.
Comment: ITPR1: PM2:Supporting, BP4, BP7